The following is an entry in ClinVar:

ClinVar aggregate classification (germline): Likely benign (1 of 4 stars; one submission).

Submission:

CeGaT Center for Human Genetics Tuebingen
Classification: Likely benign. Last evaluated: 2024-09-01. Review status: criteria provided, single submitter. Criteria: CeGaT Center For Human Genetics Tuebingen Variant Classification Criteria Version 2. Collection method: clinical testing. Allele origin: germline. Affected: yes. Observed: 1 variant allele.
Comment: CLDN8: BP4

NM_199328.3(CLDN8):c.624T>G (p.Ser208Arg)

Gene: CLDN8 (claudin 8; minus strand). Cytogenetic location: 21q22.11.
Variant type: single nucleotide variant.
Coding change: c.624T>G on transcript NM_199328.3 (MANE Select); coding-DNA position 624, T replaced by G.
Protein change: p.Ser208Arg; replaces serine 208 with arginine.
Molecular consequence: missense variant.
Genome position (GRCh38, 1-based): chr21:30,215,302, A>C on the plus strand (T>G on the coding strand, the complement: CLDN8 is on the minus strand). VCF-style: chr21-30215302-A-C. GRCh37 (hg19) VCF-style: chr21-31587620-A-C.
Other names: short protein forms S208R.
Identifiers: ClinVar variation 3390330 (VCV003390330.14).
Genomic context (GRCh38, chr21:30,215,302, plus strand): 5'-ACACAACTACACATACTGACTTCTGGAGTAGACGCTCGGTGACTTCTTTCCGGTGTGATA[A>C]CTTTTTTGGGTTGTGCGATGGGAAGGTATCGAGTATCTGTAGCTACTGCTCTTTTCGTTG-3'
Protein context (NP_955360.1, residues 198-218): SIPSHRTTQK[Ser208Arg]YHTGKKSPSV